The following continues an entry in ClinVar:

NM_007294.4(BRCA1):c.3756_3759del (p.Ser1253fs)

ClinVar aggregate classification (germline): Pathogenic. Pathogenic (1).

Submissions 40 to 62 of 64:

Human Genome Sequencing Center Clinical Lab, Baylor College of Medicine
Classification: Pathogenic for Breast-ovarian cancer, familial, susceptibility to, 1. Last evaluated: 2017-11-01. Review status: criteria provided, single submitter. Criteria: ACMG Guidelines, 2015. Collection method: clinical testing. Allele origin: germline. Not counted in ClinVar's aggregate classification.
Comment: The c.3756_3759delGTCT (p.Ser1253Argfs*10) frame shift variant is predicted to yield loss of function transcripts/proteins of BRCA1 gene, which is one of mechanisms causing BRCA1 defect related cancers. This variant is extremely rare in general population (4 in 246010 by gnomad) and observed in multiple breast/ovarian cancer patients (PMID:78944991, 12947551, 21324516, 23633455, 24504028). It has been also observed in other clinical labs and reported as pathogenic. Based on the above evidences, we interpret this variant as pathogenic.

Clinical Genetics and Genomics, Karolinska University Hospital
Classification: Pathogenic. Last evaluated: 2017-10-17. Review status: criteria provided, single submitter. Criteria: ACMG Guidelines, 2015. Collection method: clinical testing. Allele origin: germline. Affected: yes. Observed: 2 variant alleles. Not counted in ClinVar's aggregate classification.

Genologica Medica
Classification: Pathogenic for Breast-ovarian cancer, familial, susceptibility to, 1. Last evaluated: 2017-01-01. Review status: criteria provided, single submitter. Criteria: ACMG Guidelines, 2015. Collection method: clinical testing. Allele origin: germline. Affected: yes. Not counted in ClinVar's aggregate classification.

Women's Health and Genetics/Laboratory Corporation of America, LabCorp
Classification: Pathogenic for Hereditary breast ovarian cancer syndrome. Last evaluated: 2016-04-22. Review status: criteria provided, single submitter. Criteria: LabCorp Variant Classification Summary - May 2015. Collection method: clinical testing. Allele origin: germline. Not counted in ClinVar's aggregate classification.
Comment: Variant summary: The BRCA1 c.3756_3759delGTCT variant results in a premature termination codon, predicted to cause a truncated or absent BRCA1 protein due to nonsense mediated decay, which are a commonly known mechanism for disease. Truncations downstream of this position have been classified as pathogenic by our laboratory (e.g. p.Gln1756fs). Mutation Taster predicts a damaging outcome for this variant. This variant was found in 3/121438 control chromosomes at a frequency of 0.0000247, which does not exceed maximal expected frequency of a pathogenic BRCA1 allele (0.0010005). The variant has been cited in multiple HBOC patients in the literature. In addition, multiple clinical laboratories/reputable databases classified this variant as pathogenic. Taken together, this variant was classified as pathogenic.

Consortium of Investigators of Modifiers of BRCA1/2 (CIMBA), c/o University of Cambridge
Classification: Pathogenic for Breast-ovarian cancer, familial, susceptibility to, 1. Last evaluated: 2015-10-02. Review status: criteria provided, single submitter. Criteria: CIMBA Mutation Classification guidelines May 2016. Collection method: clinical testing. Allele origin: germline. Not counted in ClinVar's aggregate classification.

Clinical Genetics DNA and cytogenetics Diagnostics Lab, Erasmus MC, Erasmus Medical Center
Classification: Pathogenic for Breast-ovarian cancer, familial, susceptibility to, 1. Last evaluated: 2015-09-21. Review status: criteria provided, single submitter. Criteria: ACGS Guidelines, 2013. Collection method: clinical testing. Allele origin: germline. Affected: yes. Study: VKGL Data-share Consensus. Not counted in ClinVar's aggregate classification.

Department of Medical Genetics, Oslo University Hospital
Classification: Pathogenic for Breast-ovarian cancer, familial, susceptibility to, 1. Last evaluated: 2015-02-10. Review status: criteria provided, single submitter. Criteria: ACMG Guidelines, 2015. Collection method: clinical testing. Allele origin: germline. Affected: yes. Observed: 10 variant alleles. Not counted in ClinVar's aggregate classification.

Juno Genomics, Hangzhou Juno Genomics, Inc
Classification: Pathogenic for Breast-ovarian cancer, familial, susceptibility to, 1; Pancreatic cancer, susceptibility to, 4; Fanconi anemia, complementation group S. Review status: criteria provided, single submitter. Criteria: ACMG Guidelines, 2015. Collection method: clinical testing. Allele origin: germline. Affected: yes. Not counted in ClinVar's aggregate classification.
Comment: Null variant in a gene where loss of function (LOF) is a known mechanism of disease.;The prevalence of the variant in affected individuals is significantly increased compared to the prevalence in controls.;Novel missense change at an amino acid residue where a different missense change determined to be pathogenic has been seen before.

Neuberg Centre For Genomic Medicine, NCGM
Classification: Pathogenic for Breast-ovarian cancer, familial, susceptibility to, 1. Review status: criteria provided, single submitter. Criteria: ACMG Guidelines, 2015. Collection method: clinical testing. Allele origin: germline. Inheritance: Autosomal dominant inheritance. Affected: yes. Not counted in ClinVar's aggregate classification.

BRCAlab, Lund University
Classification: Pathogenic for Breast-ovarian cancer, familial, susceptibility to, 1. Last evaluated: 2020-03-02. Review status: no assertion criteria provided. Collection method: clinical testing. Allele origin: germline. Affected: yes. Not counted in ClinVar's aggregate classification.

CZECANCA consortium
Classification: Pathogenic for Breast and/or ovarian cancer. Last evaluated: 2019-06-11. Review status: no assertion criteria provided. Collection method: clinical testing. Allele origin: germline. Affected: yes. Observed: 4 variant alleles. Not counted in ClinVar's aggregate classification.

German Consortium for Hereditary Breast and Ovarian Cancer, University Hospital Cologne
Classification: Pathogenic for Ovarian neoplasm. Last evaluated: 2018-12-01. Review status: no assertion criteria provided. Collection method: research. Allele origin: germline. Affected: yes. Not counted in ClinVar's aggregate classification.

Foulkes Cancer Genetics LDI, Lady Davis Institute for Medical Research
Classification: Pathogenic for Breast and/or ovarian cancer. Last evaluated: 2015-05-19. Review status: no assertion criteria provided. Collection method: clinical testing. Allele origin: germline. Study: The Canadian Open Genetics Repository (COGR). Not counted in ClinVar's aggregate classification.

Institute of Human Genetics, Medical University Innsbruck
Classification: Pathogenic for Breast-ovarian cancer, familial 1. Last evaluated: 2015-02-11. Review status: no assertion criteria provided. Criteria: clinical testing. Collection method: clinical testing. Allele origin: germline. Affected: yes. Observed: 3 variant alleles. Study: BRCA-Tyrol. Not counted in ClinVar's aggregate classification.
Comment: BRCA-mutation spectrum Western Austria

Counsyl
Classification: Likely pathogenic for Breast-ovarian cancer, familial 1. Last evaluated: 2014-11-24. Review status: no assertion criteria provided. Collection method: literature only. Allele origin: unknown. Inheritance: Autosomal dominant inheritance. Not counted in ClinVar's aggregate classification.

Research Molecular Genetics Laboratory, Women's College Hospital, University of Toronto
Classification: Pathogenic for Hereditary breast ovarian cancer syndrome. Last evaluated: 2014-01-31. Review status: no assertion criteria provided. Collection method: research. Allele origin: germline. Affected: yes. Study: The Canadian Open Genetics Repository (COGR). Not counted in ClinVar's aggregate classification.

Sharing Clinical Reports Project (SCRP)
Classification: Pathogenic for Breast-ovarian cancer, familial 1. Last evaluated: 2013-11-19. Review status: no assertion criteria provided. Collection method: clinical testing. Allele origin: germline. Not counted in ClinVar's aggregate classification.

Breast Cancer Information Core (BIC) (BRCA1)
Classification: Pathogenic for Breast-ovarian cancer, familial 1. Last evaluated: 2002-05-29. Review status: no assertion criteria provided. Collection method: clinical testing. Allele origin: germline. Affected: yes. Observed: 133 variant alleles. Not counted in ClinVar's aggregate classification.

OMIM
Classification: Pathogenic for BREAST-OVARIAN CANCER, FAMILIAL, SUSCEPTIBILITY TO, 1. Last evaluated: 1994-12-01. Review status: no assertion criteria provided. Collection method: literature only. Allele origin: germline. Not counted in ClinVar's aggregate classification.

Bioscientia Institut fuer Medizinische Diagnostik GmbH, Sonic Healthcare
Classification: Pathogenic for Familial cancer of breast. Review status: no assertion criteria provided. Collection method: clinical testing. Allele origin: germline. Affected: yes. Not counted in ClinVar's aggregate classification.

Center for Precision Medicine, Meizhou People's Hospital
Classification: Pathogenic for Familial cancer of breast. Review status: no assertion criteria provided. Collection method: literature only. Allele origin: germline. Affected: yes. Not counted in ClinVar's aggregate classification.

Clinical Genetics Laboratory, Department of Pathology, Netherlands Cancer Institute
Classification: Pathogenic. Review status: no assertion criteria provided. Collection method: clinical testing. Allele origin: germline. Affected: yes. Study: VKGL Data-share Consensus. Not counted in ClinVar's aggregate classification.

Department of Pathology and Laboratory Medicine, Sinai Health System
Classification: Pathogenic for Hereditary breast ovarian cancer syndrome. Review status: no assertion criteria provided. Collection method: clinical testing. Allele origin: unknown. Affected: yes. Observed: 5 variant alleles. Study: The Canadian Open Genetics Repository (COGR). Not counted in ClinVar's aggregate classification.
Comment: The p.Ser1253ArgfsX10 variant has been identified in 17 out of 6280 proband chromosomes (frequency 0.003) in individuals with breast and ovarian cancer phenotype, but not found in 200 control chromosomes included in these studies (Turner 1999, Langston 1996, Castilla 1994, Zhang 2011, Gaj 2012). It is also listed in dbSNP database presented â€šÃ„Ãºwith untested alleleâ€šÃ„Ã¹ (ID#: rs80357868) while no frequency information is provided; however, this variant has been listed 27X in the UMD and 123X in the BIC database as a clinically significant mutation. The p.Ser1253ArgfsX10 variant is predicted to cause a frameshift, which alters the protein's amino acid sequence beginning at codon 1253 and leads to a premature stop codon 10 codons downstream. This alteration is then predicted to lead to a truncated or absent BRCA1 protein. Loss of function of the BRCA1 gene is an established disease mechanism in familial breast and ovarian cancer patients. In summary, based on the above information, this variant is classified as pathogenic.